The following is an entry in ClinVar:

NM_145893.3(RBFOX1):c.56C>T (p.Pro19Leu)

Gene: RBFOX1 (RNA binding fox-1 homolog 1; plus strand). Cytogenetic location: 16p13.3.
Variant type: single nucleotide variant.
Coding change: c.56C>T on transcript NM_145893.3 (MANE Plus Clinical); coding-DNA position 56, C replaced by T.
Protein change: p.Pro19Leu; replaces proline 19 with leucine.
Molecular consequence: missense variant. On other transcripts: intron variant (5).
Genome position (GRCh38, 1-based): chr16:7,333,057, C>T. VCF-style: chr16-7333057-C-T. GRCh37 (hg19) VCF-style: chr16-7383058-C-T.
Other names: c.56C>T, p.Pro19Leu (NM_145891.3, NM_145892.3); c.28-185090C>T (NM_001364800.2, NM_018723.4, NM_001142333.2 and 1 more transcripts); c.157-185090C>T (NM_001308117.1); short protein forms P19L.
Identifiers: ClinVar variation 577273 (VCV000577273.13), dbSNP rs376061440, ClinGen allele CA7891238.
Genomic context (GRCh38, chr16:7,333,057, plus strand): 5'-AAAGCATGCTGGCGTCTCAAGGAGTTCTCCTGCATCCTTATGGCGTGCCTATGATTGTAC[C>T]GGCAGCTCCTTACCTTCCTGGACTGATTCAGGTAATTCAAGGCCTCTGCCAGCCAGCAAC-3'
Protein context (NP_665900.1, residues 9-29): LHPYGVPMIV[Pro19Leu]AAPYLPGLIQ

ClinVar aggregate classification (germline): Uncertain significance. Review status: criteria provided, multiple submitters, no conflicts (2 of 4 stars). 2 submissions from 2 submitters: Uncertain significance (2). Last evaluated 2024-02-23.

Conditions:
Inborn genetic diseases. Identifiers: MedGen C0950123, MeSH D030342.
Idiopathic generalized epilepsy. Also called: Generalised epilepsy; EIG. Identifiers: MedGen C0270850, MONDO:0005579, OMIM 600669.

Allele frequency attached by ClinVar (database versions not stated): TOPMed 0.00002; ESP Exome Variant Server 0.00008; 1000 Genomes Project 30x 0.00016; 1000 Genomes Project 0.00020.
gnomAD v4.1: 23 of 1,613,848 alleles (0.0014%); highest among the groups gnomAD compares: African/African-American, 0.0053%; no homozygotes.

Submissions (2):

Labcorp Genetics (formerly Invitae), Labcorp
Classification: Uncertain significance for Idiopathic generalized epilepsy. Last evaluated: 2024-02-23. Review status: criteria provided, single submitter. Criteria: Invitae Variant Classification Sherloc (09022015). Collection method: clinical testing. Allele origin: germline.
Comment: This sequence change replaces proline, which is neutral and non-polar, with leucine, which is neutral and non-polar, at codon 19 of the RBFOX1 protein (p.Pro19Leu). This variant is present in population databases (rs376061440, gnomAD 0.01%). This variant has not been reported in the literature in individuals affected with RBFOX1-related conditions. ClinVar contains an entry for this variant (Variation ID: 577273). An algorithm developed to predict the effect of missense changes on protein structure and function (PolyPhen-2) suggests that this variant is likely to be disruptive. In summary, the available evidence is currently insufficient to determine the role of this variant in disease. Therefore, it has been classified as a Variant of Uncertain Significance.

Ambry Genetics
Classification: Uncertain significance for Inborn genetic diseases. Last evaluated: 2024-01-17. Review status: criteria provided, single submitter. Criteria: Ambry Variant Classification Scheme 2023. Collection method: clinical testing. Allele origin: germline.